The following is an entry in ClinVar:

NM_003801.4(GPAA1):c.1382C>T (p.Ala461Val)

Gene: GPAA1 (glycosylphosphatidylinositol anchor attachment 1; plus strand). Cytogenetic location: 8q24.3.
Variant type: single nucleotide variant.
Coding change: c.1382C>T on transcript NM_003801.4 (MANE Select); coding-DNA position 1382, C replaced by T.
Protein change: p.Ala461Val; replaces alanine 461 with valine.
Molecular consequence: missense variant.
Genome position (GRCh38, 1-based): chr8:144,085,410, C>T. VCF-style: chr8-144085410-C-T. GRCh37 (hg19) VCF-style: chr8-145140313-C-T.
Other names: short protein forms A461V.
Identifiers: ClinVar variation 1445970 (VCV001445970.8), dbSNP rs1835980452, ClinGen allele CA372504577.

ClinVar aggregate classification (germline): Uncertain significance (1 of 4 stars; one submission).

Allele frequency attached by ClinVar (database versions not stated): gnomAD exomes below 0.00001.

Submission:

Labcorp Genetics (formerly Invitae), Labcorp
Classification: Uncertain significance. Last evaluated: 2021-04-25. Review status: criteria provided, single submitter. Criteria: Invitae Variant Classification Sherloc (09022015). Collection method: clinical testing. Allele origin: germline.
Comment: This sequence change replaces alanine with valine at codon 461 of the GPAA1 protein (p.Ala461Val). The alanine residue is moderately conserved and there is a small physicochemical difference between alanine and valine. This variant is not present in population databases (ExAC no frequency). This variant has not been reported in the literature in individuals with GPAA1-related conditions. Algorithms developed to predict the effect of missense changes on protein structure and function are either unavailable or do not agree on the potential impact of this missense change (SIFT: "Deleterious"; PolyPhen-2: "Benign"; Align-GVGD: "Class C0"). In summary, the available evidence is currently insufficient to determine the role of this variant in disease. Therefore, it has been classified as a Variant of Uncertain Significance.